The following is an entry in ClinVar:

NM_004963.4(GUCY2C):c.917T>C (p.Leu306Pro)

Genes: GUCY2C (guanylate cyclase 2C; minus strand), GUCY2C-AS1 (GUCY2C antisense RNA 1; plus strand). Cytogenetic location: 12p12.3.
Variant type: single nucleotide variant.
Coding change: c.917T>C on transcript NM_004963.4 (MANE Select); coding-DNA position 917, T replaced by C.
Protein change: p.Leu306Pro; replaces leucine 306 with proline.
Molecular consequence: missense variant.
Genome position (GRCh38, 1-based): chr12:14,676,885, A>G on the plus strand (T>C on the coding strand, the complement: GUCY2C is on the minus strand). VCF-style: chr12-14676885-A-G. GRCh37 (hg19) VCF-style: chr12-14829819-A-G.
Other names: short protein forms L306P.
Identifiers: ClinVar variation 3662724 (VCV003662724.2).

ClinVar aggregate classification (germline): Uncertain significance (1 of 4 stars; one submission).

Submission:

Labcorp Genetics (formerly Invitae), Labcorp
Classification: Uncertain significance. Last evaluated: 2024-08-17. Review status: criteria provided, single submitter. Criteria: Invitae Variant Classification Sherloc (09022015). Collection method: clinical testing. Allele origin: germline.
Comment: This sequence change replaces leucine, which is neutral and non-polar, with proline, which is neutral and non-polar, at codon 306 of the GUCY2C protein (p.Leu306Pro). This variant is not present in population databases (gnomAD no frequency). This variant has not been reported in the literature in individuals affected with GUCY2C-related conditions. Invitae Evidence Modeling of protein sequence and biophysical properties (such as structural, functional, and spatial information, amino acid conservation, physicochemical variation, residue mobility, and thermodynamic stability) indicates that this missense variant is not expected to disrupt GUCY2C protein function with a negative predictive value of 80%. In summary, the available evidence is currently insufficient to determine the role of this variant in disease. Therefore, it has been classified as a Variant of Uncertain Significance.